The following is an entry in ClinVar:

ClinVar aggregate classification (germline): Uncertain significance (1 of 4 stars; one submission).

Conditions:
Inborn genetic diseases. Identifiers: MedGen C0950123, MeSH D030342.

gnomAD v4.1: 9 of 1,225,130 alleles (0.00073%); highest among the groups gnomAD compares: South Asian, 0.0041%; no homozygotes.

Submission:

Ambry Genetics
Classification: Uncertain significance for Inborn genetic diseases. Last evaluated: 2025-10-15. Review status: criteria provided, single submitter. Criteria: Ambry Variant Classification Scheme 2023. Collection method: clinical testing. Allele origin: germline.
Comment: The c.14G>A (p.S5N) alteration is located in exon 1 (coding exon 1) of the MAST3 gene. This alteration results from a G to A substitution at nucleotide position 14, causing the serine (S) at amino acid position 5 to be replaced by an asparagine (N). Based on data from gnomAD, the A allele has an overall frequency of 0.003% (1/30778) total alleles studied. The highest observed frequency was 0.012% (1/8558) of African alleles. Based on insufficient or conflicting evidence, the clinical significance of this alteration remains unclear.

NM_001393504.1(MAST3):c.14G>A (p.Ser5Asn)

Genes: IL12RB1 (interleukin 12 receptor subunit beta 1; minus strand), MAST3 (microtubule associated serine/threonine kinase 3; plus strand), LOC130063975 (ATAC-STARR-seq lymphoblastoid silent region 10369; plus strand). Cytogenetic location: 19p13.11.
Variant type: single nucleotide variant.
Coding change: c.14G>A on transcript NM_001393504.1 (MANE Select); coding-DNA position 14, G replaced by A.
Protein change: p.Ser5Asn; replaces serine 5 with asparagine.
Molecular consequence: missense variant. On other transcripts: intron variant (3).
Genome position (GRCh38, 1-based): chr19:18,097,806, G>A. VCF-style: chr19-18097806-G-A. GRCh37 (hg19) VCF-style: chr19-18208616-G-A.
Other names: c.14G>A, p.Ser5Asn (NM_001393501.1, NM_001393502.1, NM_001393508.1 and 8 more transcripts); c.11+949C>T (NM_001290024.2, NM_001440427.1, NM_001440426.1); short protein forms S5N.
Identifiers: ClinVar variation 4624360 (VCV004624360.1).